The following is an entry in ClinVar:

NM_177550.5(SLC13A5):c.927G>A (p.Leu309=)

Gene: SLC13A5 (solute carrier family 13 member 5; minus strand). Cytogenetic location: 17p13.1.
Variant type: single nucleotide variant.
Coding change: c.927G>A on transcript NM_177550.5 (MANE Select); coding-DNA position 927, G replaced by A.
Protein change: p.Leu309=; no amino-acid change (leucine 309 retained).
Molecular consequence: synonymous variant.
Genome position (GRCh38, 1-based): chr17:6,695,854, C>T on the plus strand (G>A on the coding strand, the complement: SLC13A5 is on the minus strand). VCF-style: chr17-6695854-C-T. GRCh37 (hg19) VCF-style: chr17-6599173-C-T.
Other names: c.927G>A, p.Leu309= (NM_001143838.3); c.876G>A, p.Leu292= (NM_001284509.2); c.798G>A, p.Leu266= (NM_001284510.2).
Identifiers: ClinVar variation 511849 (VCV000511849.18), dbSNP rs141287518, ClinGen allele CA8331570.

ClinVar aggregate classification (germline): Likely benign. Review status: criteria provided, multiple submitters, no conflicts (2 of 4 stars). 4 submissions from 4 submitters: Likely benign (3). 1 of the submissions does not count toward it. Last evaluated 2026-01-24.

Conditions:
SLC13A5-related disorder. Also called: SLC13A5-related condition.
Developmental and epileptic encephalopathy, 25 (DEE25). Also called: Developmental and epileptic encephalopathy 25, with amelogenesis imperfecta; Epileptic encephalopathy, early infantile, 25, with amelogenesis imperfecta; Epileptic encephalopathy, early infantile, 25. Identifiers: Orphanet 442835, MedGen C4014621, MONDO:0014392, OMIM 615905.

Allele frequency attached by ClinVar (database versions not stated): gnomAD exomes 0.00002; ExAC 0.00003; ESP Exome Variant Server 0.00008; gnomAD 0.00014; 1000 Genomes Project 0.00020; 1000 Genomes Project 30x 0.00031; TOPMed 0.00034.
gnomAD v4.1: 38 of 1,614,168 alleles (0.0024%); highest among the groups gnomAD compares: Admixed American, 0.05%; no homozygotes.

Submissions (4):

Labcorp Genetics (formerly Invitae), Labcorp
Classification: Likely benign for Developmental and epileptic encephalopathy, 25. Last evaluated: 2026-01-24. Review status: criteria provided, single submitter. Criteria: Invitae Variant Classification Sherloc (09022015). Collection method: clinical testing. Allele origin: germline.

GeneDx
Classification: Likely benign. Last evaluated: 2020-09-11. Review status: criteria provided, single submitter. Criteria: GeneDx Variant Classification Process June 2021. Collection method: clinical testing. Allele origin: germline. Affected: yes.

Blueprint Genetics
Classification: Likely benign. Last evaluated: 2019-12-19. Review status: criteria provided, single submitter. Criteria: ACMG Guidelines, 2015. Collection method: clinical testing. Allele origin: germline.

PreventionGenetics, part of Exact Sciences
Classification: Likely benign for SLC13A5-related condition. Last evaluated: 2019-03-21. Review status: no assertion criteria provided. Collection method: clinical testing. Allele origin: germline. Not counted in ClinVar's aggregate classification.
Comment: This variant is classified as likely benign based on ACMG/AMP sequence variant interpretation guidelines (Richards et al. 2015 PMID: 25741868, with internal and published modifications).